The following is an entry in ClinVar:

ClinVar aggregate classification (germline): Uncertain significance (1 of 4 stars; one submission).

Conditions:
Acute myeloid leukemia (AML). Also called: Acute myeloid leukemia, adult; AML adult; Acute non-lymphocytic leukemia; Acute granulocytic leukemia; Leukemia, acute myeloid, somatic; Leukemia, acute myelogenous, somatic. Identifiers: Orphanet 519, MedGen C0023467, MeSH D015470, MONDO:0018874, OMIM 601626, HP:0004808. Disease mechanism: Constitutively activated FLT3.

Submission:

Labcorp Genetics (formerly Invitae), Labcorp
Classification: Uncertain significance for Acute myeloid leukemia. Last evaluated: 2021-12-24. Review status: criteria provided, single submitter. Criteria: Invitae Variant Classification Sherloc (09022015). Collection method: clinical testing. Allele origin: germline.
Comment: Algorithms developed to predict the effect of missense changes on protein structure and function are either unavailable or do not agree on the potential impact of this missense change (SIFT: "Deleterious"; PolyPhen-2: "Benign"; Align-GVGD: "Class C0"). In summary, the available evidence is currently insufficient to determine the role of this variant in disease. Therefore, it has been classified as a Variant of Uncertain Significance. This variant has not been reported in the literature in individuals affected with CEBPA-related conditions. This variant is not present in population databases (gnomAD no frequency). This sequence change replaces proline, which is neutral and non-polar, with leucine, which is neutral and non-polar, at codon 204 of the CEBPA protein (p.Pro204Leu).

NM_004364.5(CEBPA):c.611C>T (p.Pro204Leu)

Gene: CEBPA (CCAAT enhancer binding protein alpha; minus strand). Cytogenetic location: 19q13.11.
Variant type: single nucleotide variant.
Coding change: c.611C>T on transcript NM_004364.5 (MANE Select); coding-DNA position 611, C replaced by T.
Protein change: p.Pro204Leu; replaces proline 204 with leucine.
Molecular consequence: missense variant.
Genome position (GRCh38, 1-based): chr19:33,301,804, G>A on the plus strand (C>T on the coding strand, the complement: CEBPA is on the minus strand). VCF-style: chr19-33301804-G-A. GRCh37 (hg19) VCF-style: chr19-33792710-G-A.
Other names: c.254C>T, p.Pro85Leu (NM_001285829.2); c.716C>T, p.Pro239Leu (NM_001287424.2); c.569C>T, p.Pro190Leu (NM_001287435.2); short protein forms P239L, P204L, P190L, P85L.
Identifiers: ClinVar variation 2179394 (VCV002179394.4), dbSNP rs1336142719, ClinGen allele CA405274586.